The following is an entry in ClinVar:

NM_144772.3(NAXE):c.1A>G (p.Met1Val)

Gene: NAXE (NAD(P)HX epimerase; plus strand). Cytogenetic location: 1q22.
Variant type: single nucleotide variant.
Coding change: c.1A>G on transcript NM_144772.3 (MANE Select); coding-DNA position 1, A replaced by G.
Protein change: p.Met1Val; changes the start codon (methionine 1).
Molecular consequence: missense variant, initiator codon variant.
Genome position (GRCh38, 1-based): chr1:156,591,805, A>G. VCF-style: chr1-156591805-A-G. GRCh37 (hg19) VCF-style: chr1-156561597-A-G.
Other names: short protein forms M1V.
Identifiers: ClinVar variation 1479821 (VCV001479821.7), dbSNP rs759496388, ClinGen allele CA1162618.
Genomic context (GRCh38, chr1:156,591,805, plus strand): 5'-GCGAGCGCCGCACATGCGCCGGGGCCGGGCCGGGCCGGGGGCGCGCGCTCTGCGAGCTGG[A>G]TGTCCAGGCTGCGGGCGCTGCTGGGCCTCGGGCTGCTGGTTGCGGGCTCGCGCGTGCCGC-3'
Protein context (NP_658985.2, residues 1-11): [Met1Val]SRLRALLGLG

ClinVar aggregate classification (germline): Uncertain significance (1 of 4 stars; one submission).

Allele frequency attached by ClinVar (database versions not stated): gnomAD 0.00001; ExAC 0.00003; gnomAD exomes 0.00003; TOPMed 0.00003.

Submission:

Labcorp Genetics (formerly Invitae), Labcorp
Classification: Uncertain significance. Last evaluated: 2022-03-17. Review status: criteria provided, single submitter. Criteria: Invitae Variant Classification Sherloc (09022015). Collection method: clinical testing. Allele origin: germline.
Comment: This sequence change affects the initiator methionine of the NAXE mRNA. The next in-frame methionine is located at codon 52. This variant is present in population databases (rs759496388, gnomAD 0.04%). This variant has not been reported in the literature in individuals affected with NAXE-related conditions. Experimental studies and prediction algorithms are not available or were not evaluated, and the functional significance of this variant is currently unknown. In summary, the available evidence is currently insufficient to determine the role of this variant in disease. Therefore, it has been classified as a Variant of Uncertain Significance.